The following is an entry in ClinVar:

ClinVar aggregate classification (germline): Conflicting classifications of pathogenicity. Review status: criteria provided, conflicting classifications (1 of 4 stars). 2 submissions from 2 submitters: Uncertain significance (1); Likely benign (1). Last evaluated 2023-04-05.

Conditions:
Infantile-onset ascending hereditary spastic paralysis (IAHSP). Also called: Autosomal Recessive Juvenile Amyotrophic Lateral Sclerosis; Infantile-Onset Ascending Hereditary Spastic Paralysis (IAHSP). Identifiers: Orphanet 293168, MedGen C2931441, MONDO:0011797, OMIM 607225. Disease mechanism: loss of function.

Allele frequency attached by ClinVar (database versions not stated): gnomAD 0.00001; TOPMed 0.00002; ExAC 0.00003; gnomAD exomes 0.00003.
gnomAD v4.1: 48 of 1,609,252 alleles (0.003%); highest among the groups gnomAD compares: Non-Finnish European, 0.0036%; no homozygotes.

Submissions (2):

Blueprint Genetics
Classification: Likely benign. Last evaluated: 2023-04-05. Review status: criteria provided, single submitter. Criteria: ACMG Guidelines, 2015. Collection method: clinical testing. Allele origin: germline.

Labcorp Genetics (formerly Invitae), Labcorp
Classification: Uncertain significance for Infantile-onset ascending hereditary spastic paralysis. Last evaluated: 2022-09-07. Review status: criteria provided, single submitter. Criteria: Invitae Variant Classification Sherloc (09022015). Collection method: clinical testing. Allele origin: germline.
Comment: This variant has not been reported in the literature in individuals affected with ALS2-related conditions. This variant is present in population databases (rs766074258, gnomAD 0.007%). This sequence change falls in intron 29 of the ALS2 gene. It does not directly change the encoded amino acid sequence of the ALS2 protein. It affects a nucleotide within the consensus splice site. ClinVar contains an entry for this variant (Variation ID: 1519645). In summary, the available evidence is currently insufficient to determine the role of this variant in disease. Therefore, it has been classified as a Variant of Uncertain Significance. Variants that disrupt the consensus splice site are a relatively common cause of aberrant splicing (PMID: 17576681, 9536098). Algorithms developed to predict the effect of sequence changes on RNA splicing suggest that this variant is not likely to affect RNA splicing.

Literature cited by the submitters: PubMed 17576681 (cited by Labcorp Genetics (formerly Invitae), Labcorp); PubMed 9536098 (cited by Labcorp Genetics (formerly Invitae), Labcorp).

NM_020919.4(ALS2):c.4581-3T>C

Gene: ALS2 (alsin Rho guanine nucleotide exchange factor ALS2; minus strand). Cytogenetic location: 2q33.1.
Variant type: single nucleotide variant.
Coding change: c.4581-3T>C on transcript NM_020919.4 (MANE Select); 3 bases into the intron before coding-DNA position 4581, T replaced by C.
Molecular consequence: intron variant.
Genome position (GRCh38, 1-based): chr2:201,705,464, A>G on the plus strand (T>C on the coding strand, the complement: ALS2 is on the minus strand). VCF-style: chr2-201705464-A-G. GRCh37 (hg19) VCF-style: chr2-202570187-A-G.
Identifiers: ClinVar variation 1519645 (VCV001519645.7), dbSNP rs766074258, ClinGen allele CA2057529.